The following is an entry in ClinVar:

NM_020884.7(MYH7B):c.5808C>G (p.Gly1936=)

Gene: MYH7B (myosin heavy chain 7B; plus strand). Cytogenetic location: 20q11.22.
Variant type: single nucleotide variant.
Coding change: c.5808C>G on transcript NM_020884.7 (MANE Select); coding-DNA position 5808, C replaced by G.
Protein change: p.Gly1936=; no amino-acid change (glycine 1936 retained).
Molecular consequence: synonymous variant.
Genome position (GRCh38, 1-based): chr20:35,002,079, C>G. VCF-style: chr20-35002079-C-G. GRCh37 (hg19) VCF-style: chr20-33589882-C-G.
Identifiers: ClinVar variation 4977467 (VCV004977467.1).

ClinVar aggregate classification (germline): Likely benign (1 of 4 stars; one submission).

Conditions:
MYH7B-related disorder. Also called: MYH7B-related condition.

gnomAD v4.1: 82 of 1,613,662 alleles (0.0051%); highest among the groups gnomAD compares: Non-Finnish European, 0.0068%; no homozygotes.

Submission:

PreventionGenetics, part of Exact Sciences
Classification: Likely benign for MYH7B-related condition. Last evaluated: 2026-06-15. Review status: criteria provided, single submitter. Criteria: ACMG Guidelines, 2015. Collection method: clinical testing. Allele origin: germline.
Comment: This variant is classified as likely benign based on ACMG/AMP sequence variant interpretation guidelines (Richards et al. 2015 PMID: 25741868, with internal and published modifications).